The following is an entry in ClinVar:

NM_138459.5(NUS1):c.616G>A (p.Asp206Asn)

Gene: NUS1 (NUS1 dehydrodolichyl diphosphate synthase subunit; plus strand). Cytogenetic location: 6q22.1.
Variant type: single nucleotide variant.
Coding change: c.616G>A on transcript NM_138459.5 (MANE Select); coding-DNA position 616, G replaced by A.
Protein change: p.Asp206Asn; replaces aspartic acid 206 with asparagine.
Molecular consequence: missense variant.
Genome position (GRCh38, 1-based): chr6:117,694,105, G>A. VCF-style: chr6-117694105-G-A. GRCh37 (hg19) VCF-style: chr6-118015268-G-A.
Other names: short protein forms D206N.
Identifiers: ClinVar variation 3361236 (VCV003361236.1).

ClinVar aggregate classification (germline): Uncertain significance (1 of 4 stars; one submission).

Submission:

GeneDx
Classification: Uncertain significance. Last evaluated: 2023-07-24. Review status: criteria provided, single submitter. Criteria: GeneDx Variant Classification Process June 2021. Collection method: clinical testing. Allele origin: germline. Affected: yes.
Comment: Not observed at significant frequency in large population cohorts (gnomAD); In silico analysis supports that this missense variant does not alter protein structure/function; Has not been previously published as pathogenic or benign to our knowledge